The following is an entry in ClinVar:

NM_004744.5(LRAT):c.562A>C (p.Ile188Leu)

Gene: LRAT (lecithin retinol acyltransferase; plus strand). Cytogenetic location: 4q32.1.
Variant type: single nucleotide variant.
Coding change: c.562A>C on transcript NM_004744.5 (MANE Select); coding-DNA position 562, A replaced by C.
Protein change: p.Ile188Leu; replaces isoleucine 188 with leucine.
Molecular consequence: missense variant.
Genome position (GRCh38, 1-based): chr4:154,749,005, A>C. VCF-style: chr4-154749005-A-C. GRCh37 (hg19) VCF-style: chr4-155670157-A-C.
Other names: c.562A>C, p.Ile188Leu (NM_001301645.2); short protein forms I188L.
Identifiers: ClinVar variation 1464090 (VCV001464090.8), dbSNP rs2111038173, ClinGen allele CA358630974.

ClinVar aggregate classification (germline): Uncertain significance (1 of 4 stars; one submission).

Submission:

Labcorp Genetics (formerly Invitae), Labcorp
Classification: Uncertain significance. Last evaluated: 2021-07-24. Review status: criteria provided, single submitter. Criteria: Invitae Variant Classification Sherloc (09022015). Collection method: clinical testing. Allele origin: germline.
Comment: This variant is not present in population databases (ExAC no frequency). This sequence change replaces isoleucine with leucine at codon 188 of the LRAT protein (p.Ile188Leu). The isoleucine residue is moderately conserved and there is a small physicochemical difference between isoleucine and leucine. This variant has not been reported in the literature in individuals affected with LRAT-related conditions. Algorithms developed to predict the effect of missense changes on protein structure and function (SIFT, PolyPhen-2, Align-GVGD) all suggest that this variant is likely to be tolerated. In summary, the available evidence is currently insufficient to determine the role of this variant in disease. Therefore, it has been classified as a Variant of Uncertain Significance.